The following is an entry in ClinVar:

ClinVar aggregate classification (germline): Pathogenic. Review status: criteria provided, multiple submitters, no conflicts (2 of 4 stars). 7 submissions from 7 submitters: Pathogenic (5). 2 of the submissions do not count toward it. Last evaluated 2026-01-12.

Conditions:
NPC1-related disorder. Also called: NPC1-related condition.
Niemann-Pick disease, type C1. Also called: NIEMANN-PICK DISEASE, VARIANT TYPE C1; NEUROVISCERAL STORAGE DISEASE WITH VERTICAL SUPRANUCLEAR OPHTHALMOPLEGIA; NIEMANN-PICK DISEASE WITH CHOLESTEROL ESTERIFICATION BLOCK; NIEMANN-PICK DISEASE WITHOUT SPHINGOMYELINASE DEFICIENCY; NIEMANN-PICK DISEASE, CHRONIC NEURONOPATHIC FORM. Identifiers: Orphanet 646, MedGen C3179455, MONDO:0009757, OMIM 257220.

Allele frequency attached by ClinVar (database versions not stated): TOPMed 0.00001.
gnomAD v4.1: 8 of 1,614,068 alleles (0.0005%); highest among the groups gnomAD compares: East Asian, 0.0022%; no homozygotes.

Submissions (7):

Natera, Inc.
Classification: Pathogenic for Niemann-Pick disease type C1. Last evaluated: 2026-01-12. Review status: criteria provided, single submitter. Criteria: Natera Variant Classification Schema (03/2026). Collection method: clinical testing. Allele origin: germline.
Comment: The c.2974G>A variant in NPC1 is a missense variant predicted to cause substitution of glycine to arginine at amino acid 992. This variant is rare in the general population with a frequency below the threshold expected for the associated phenotype(s). This variant has been observed in one or more individuals affected with the associated recessive disease, as either homozygous or compound heterozygous with a second variant (PMID: 16126423, 11333381). Another variant at this same site results in an alteration predicted to cause a similar molecular effect has been observed in individual(s) with the associated phenotype. A different variant at the same position has been determined to be Pathogenic or Likely Pathogenic. Given the available evidence, this variant is classified as Pathogenic.

GeneDx
Classification: Pathogenic. Last evaluated: 2025-11-06. Review status: criteria provided, single submitter. Criteria: GeneDx Variant Classification Process June 2021. Collection method: clinical testing. Allele origin: germline. Affected: yes.
Comment: Not observed at significant frequency in large population cohorts (gnomAD); In silico analysis supports that this missense variant has a deleterious effect on protein structure/function; This variant is associated with the following publications: (PMID: 19609713, 19307542, 26984608, 20301473, 26910362, 25665455, 31589614, 35892469, 11333381, 28710748, 25349751, 16126423)

PreventionGenetics, part of Exact Sciences
Classification: Pathogenic for NPC1-related condition. Last evaluated: 2025-07-23. Review status: criteria provided, single submitter. Criteria: ACMG Guidelines, 2015. Collection method: clinical testing. Allele origin: germline.
Comment: The NPC1 c.2974G>A variant is predicted to result in the amino acid substitution p.Gly992Arg. This variant has been reported with other NPC1 variants in at least two individuals with Niemann-Pick disease type C (Millat et al. 2001. PubMed ID: 11333381; Millat et al. 2005. PubMed ID: 16126423). This variant is reported in 0.0033% of alleles in individuals of South Asian descent in gnomAD. Alternate variant at the same nucleotide c.2974G>C leading to the same missense variant p.Gly922Arg has been observed together with second causative variant in additional individuals with Niemann-Pick disease type C (Table 1, Dardis et al. 2020. PubMed ID: 32138288; Table 1, Macías-Vidal et al. 2010. PubMed ID: 20718790; Table 1, Schicks et al. 2013. PubMed ID: 23427322). Alternate missense substations affecting the same amino acid [p.Gly992Ala, and p.Gly992Trp] have been reported in the homozygous state or with other NPC1 variants in multiple individuals with Niemann-Pick disease type C or type D (see for examples, Sévin et al. 2006. PubMed ID: 17003072; Oyama et al. 2006. PubMed ID: 16778374; Macías-Vidal et al. 2010. PubMed ID: 20718790; Dardis et al. 2020. PubMed ID: 32138288). The c.2974G>A (p.Gly992Arg) variant is interpreted as pathogenic.

Labcorp Genetics (formerly Invitae), Labcorp
Classification: Pathogenic for Niemann-Pick disease, type C1. Last evaluated: 2025-01-27. Review status: criteria provided, single submitter. Criteria: Invitae Variant Classification Sherloc (09022015). Collection method: clinical testing. Allele origin: germline.
Comment: This sequence change replaces glycine, which is neutral and non-polar, with arginine, which is basic and polar, at codon 992 of the NPC1 protein (p.Gly992Arg). This variant is present in population databases (rs80358254, gnomAD 0.003%). This missense change has been observed in individuals with Niemann-Pick disease type C (PMID: 11333381, 20718790, 25349751, 26910362). ClinVar contains an entry for this variant (Variation ID: 21137). Invitae Evidence Modeling of protein sequence and biophysical properties (such as structural, functional, and spatial information, amino acid conservation, physicochemical variation, residue mobility, and thermodynamic stability) indicates that this missense variant is expected to disrupt NPC1 protein function with a positive predictive value of 95%. This variant disrupts the p.Gly992 amino acid residue in NPC1. Other variant(s) that disrupt this residue have been determined to be pathogenic (PMID: 9634529, 16778374). This suggests that this residue is clinically significant, and that variants that disrupt this residue are likely to be disease-causing. For these reasons, this variant has been classified as Pathogenic.

Revvity Omics, Revvity
Classification: Pathogenic for Niemann-Pick disease, type C1. Last evaluated: 2020-04-01. Review status: criteria provided, single submitter. Criteria: ACMG Guidelines, 2015. Collection method: clinical testing. Allele origin: germline.

Counsyl
Classification: Likely pathogenic for Niemann-Pick disease type C1. Last evaluated: 2014-05-19. Review status: no assertion criteria provided. Collection method: literature only. Allele origin: unknown. Inheritance: Autosomal recessive inheritance. Not counted in ClinVar's aggregate classification.

GeneReviews
No classification provided. Condition: Niemann-Pick disease, type C1. Review status: no classification provided. Collection method: literature only. Allele origin: unknown. Not counted in ClinVar's aggregate classification.

Literature cited by the submitters: PubMed 16126423 (cited by Natera, Inc. and Counsyl); PubMed 11333381 (cited by 4 submitters); PubMed 20718790 (cited by Labcorp Genetics (formerly Invitae), Labcorp); PubMed 25349751 (cited by Labcorp Genetics (formerly Invitae), Labcorp); PubMed 26910362 (cited by Labcorp Genetics (formerly Invitae), Labcorp); PubMed 9634529 (cited by Labcorp Genetics (formerly Invitae), Labcorp); PubMed 16778374 (cited by Labcorp Genetics (formerly Invitae), Labcorp); PubMed 12205649 (cited by Counsyl); PubMed 17003072 (cited by Counsyl); PubMed 19013089 (cited by Counsyl); PubMed 19609713 (cited by Counsyl); PubMed 19307542 (cited by Counsyl); PubMed 23427322 (cited by Counsyl); PubMed 16098014 (cited by Counsyl); PubMed 11479732 (cited by Counsyl); PubMed 20301473 (cited by GeneReviews); NCBI Bookshelf NBK1296 (cited by GeneReviews).

NM_000271.5(NPC1):c.2974G>A (p.Gly992Arg)

Gene: NPC1 (NPC intracellular cholesterol transporter 1; minus strand). Cytogenetic location: 18q11.2.
Variant type: single nucleotide variant.
Coding change: c.2974G>A on transcript NM_000271.5 (MANE Select); coding-DNA position 2974, G replaced by A.
Protein change: p.Gly992Arg; replaces glycine 992 with arginine.
Molecular consequence: missense variant.
Genome position (GRCh38, 1-based): chr18:23,538,609, C>T on the plus strand (G>A on the coding strand, the complement: NPC1 is on the minus strand). VCF-style: chr18-23538609-C-T. GRCh37 (hg19) VCF-style: chr18-21118573-C-T.
Other names: short protein forms G992R.
Identifiers: ClinVar variation 21137 (VCV000021137.24), dbSNP rs80358254, ClinGen allele CA341663.
Genomic context (GRCh38, chr18:23,538,609, plus strand): 5'-CACACTTGGGGTTAGGGTTATCCGAAAGGAACATGGGCAGGAATCTCATGAAGTCTCCCC[C>T]CTGAGGCCTCTGTTTGCCTTCCGGAGTCAGAGGCCTGCAGCGAACGCAGGCAGGGTCAAC-3'
Protein context (NP_000262.2, residues 982-1002): LTPEGKQRPQ[Gly992Arg]GDFMRFLPMF